The following is an entry in ClinVar:

ClinVar aggregate classification (germline): Pathogenic. Review status: criteria provided, single submitter (1 of 4 stars). 2 submissions from 2 submitters: Pathogenic (1). 1 of the submissions does not count toward it. Last evaluated 2023-12-05.

Conditions:
Congenital stationary night blindness 1E. Also called: Night blindness, congenital stationary (complete), 1E, autosomal recessive. Identifiers: Orphanet 215, MedGen C3281215, MONDO:0013807, OMIM 614565.

Submissions (2):

Labcorp Genetics (formerly Invitae), Labcorp
Classification: Pathogenic. Last evaluated: 2023-12-05. Review status: criteria provided, single submitter. Criteria: Invitae Variant Classification Sherloc (09022015). Collection method: clinical testing. Allele origin: germline.
Comment: This sequence change creates a premature translational stop signal (p.Pro93Glnfs*57) in the GPR179 gene. It is expected to result in an absent or disrupted protein product. Loss-of-function variants in GPR179 are known to be pathogenic (PMID: 22325361, 22325362). This variant is not present in population databases (gnomAD no frequency). This premature translational stop signal has been observed in individual(s) with congenital stationary night blindness (PMID: 22325361). ClinVar contains an entry for this variant (Variation ID: 31201). For these reasons, this variant has been classified as Pathogenic.

OMIM
Classification: Pathogenic for NIGHT BLINDNESS, CONGENITAL STATIONARY, TYPE 1E. Last evaluated: 2012-02-10. Review status: no assertion criteria provided. Collection method: literature only. Allele origin: germline. Not counted in ClinVar's aggregate classification.

Literature cited by the submitters: PubMed 22325361 (cited by Labcorp Genetics (formerly Invitae), Labcorp and OMIM); PubMed 22325362 (cited by Labcorp Genetics (formerly Invitae), Labcorp).

NM_001004334.4(GPR179):c.278del (p.Pro93fs)

Gene: GPR179 (G protein-coupled receptor 179; minus strand). Cytogenetic location: 17q12.
Variant type: Deletion.
Coding change: c.278del on transcript NM_001004334.4 (MANE Select); coding-DNA position 278, one base deleted (C; older notation c.278delC).
Protein change: p.Pro93fs; shifts the reading frame from proline 93.
Molecular consequence: frameshift variant.
Genome position (GRCh38, 1-based): chr17:38,343,512, G deleted on the plus strand (C on the coding strand, the reverse complement: GPR179 is on the minus strand); the first of 6 consecutive G bases (chr17:38,343,512-38,343,517); deleting any one gives the same sequence. VCF-style (leftmost placement, unchanged base first): chr17-38343511-TG-T. GRCh37 (hg19) VCF-style: chr17-36499394-TG-T.
Other names: short protein forms P93fs.
Identifiers: ClinVar variation 31201 (VCV000031201.4), dbSNP rs794726685, ClinGen allele CA129746.